The following is an entry in ClinVar:

ClinVar aggregate classification (germline): Uncertain significance (1 of 4 stars; one submission).

Conditions:
Nephronophthisis 14 (NPHP14). Identifiers: Orphanet 2318, MedGen C3539071, MONDO:0013916, OMIM 614844.

gnomAD v4.1: 10 of 1,613,964 alleles (0.00062%); highest among the groups gnomAD compares: Non-Finnish European, 0.00085%; no homozygotes.

Submission:

Labcorp Genetics (formerly Invitae), Labcorp
Classification: Uncertain significance for Nephronophthisis 14. Last evaluated: 2021-07-26. Review status: criteria provided, single submitter. Criteria: Invitae Variant Classification Sherloc (09022015). Collection method: clinical testing. Allele origin: germline.
Comment: Algorithms developed to predict the effect of missense changes on protein structure and function are either unavailable or do not agree on the potential impact of this missense change (SIFT: "Deleterious"; PolyPhen-2: "Benign"; Align-GVGD: "Class C0"). This variant has not been reported in the literature in individuals affected with ZNF423-related conditions. This variant is not present in population databases (ExAC no frequency). This sequence change replaces methionine with leucine at codon 560 of the ZNF423 protein (p.Met560Leu). The methionine residue is highly conserved and there is a small physicochemical difference between methionine and leucine. In summary, the available evidence is currently insufficient to determine the role of this variant in disease. Therefore, it has been classified as a Variant of Uncertain Significance.

NM_001379286.1(ZNF423):c.1702A>T (p.Met568Leu)

Gene: ZNF423 (zinc finger protein 423; minus strand). Cytogenetic location: 16q12.1.
Variant type: single nucleotide variant.
Coding change: c.1702A>T on transcript NM_001379286.1 (MANE Select); coding-DNA position 1702, A replaced by T.
Protein change: p.Met568Leu; replaces methionine 568 with leucine.
Molecular consequence: missense variant.
Genome position (GRCh38, 1-based): chr16:49,637,474, T>A on the plus strand (A>T on the coding strand, the complement: ZNF423 is on the minus strand). VCF-style: chr16-49637474-T-A. GRCh37 (hg19) VCF-style: chr16-49671385-T-A.
Other names: c.1498A>T, p.Met500Leu (NM_001271620.2); c.1327A>T, p.Met443Leu (NM_001330533.2); c.1678A>T, p.Met560Leu (NM_015069.5); short protein forms M443L, M560L, M568L, M500L.
Identifiers: ClinVar variation 1407575 (VCV001407575.8), dbSNP rs2151884770, ClinGen allele CA395846859.